The following is an entry in ClinVar:

NM_015650.4(IFT54):c.988-1G>A

Gene: IFT54 (intraflagellar transport 54; plus strand). Cytogenetic location: 2q37.3.
Variant type: single nucleotide variant.
Coding change: c.988-1G>A on transcript NM_015650.4 (MANE Select); the canonical splice acceptor site of the intron before coding-DNA position 988, G replaced by A.
Molecular consequence: splice acceptor variant.
Genome position (GRCh38, 1-based): chr2:238,333,959, G>A. VCF-style: chr2-238333959-G-A. GRCh37 (hg19) VCF-style: chr2-239242600-G-A.
Other names: c.988-1G>A (NM_001139490.1).
Identifiers: ClinVar variation 4782092 (VCV004782092.2).

ClinVar aggregate classification (germline): Likely pathogenic. Review status: criteria provided, multiple submitters, no conflicts (2 of 4 stars). 2 submissions from 2 submitters: Likely pathogenic (2). Last evaluated 2025-05-11.

Conditions:
TRAF3IP1-related disorder. Also called: TRAF3IP1-related condition.

Submissions (2):

Labcorp Genetics (formerly Invitae), Labcorp
Classification: Likely pathogenic. Last evaluated: 2025-05-11. Review status: criteria provided, single submitter. Criteria: Invitae Variant Classification Sherloc (09022015). Collection method: clinical testing. Allele origin: germline.
Comment: This sequence change affects an acceptor splice site in intron 6 of the TRAF3IP1 gene. It is expected to disrupt RNA splicing. Variants that disrupt the donor or acceptor splice site typically lead to a loss of protein function (PMID: 16199547), and loss-of-function variants in TRAF3IP1 are known to be pathogenic (PMID: 21945076, 26487268, 29068549). This variant is present in population databases (no rsID available, gnomAD 0.007%). Disruption of this splice site has been observed in individual(s) with short-rib thoracic dysplasia (PMID: 29068549). Algorithms developed to predict the effect of sequence changes on RNA splicing suggest that this variant may disrupt the consensus splice site. In summary, the currently available evidence indicates that the variant is pathogenic, but additional data are needed to prove that conclusively. Therefore, this variant has been classified as Likely Pathogenic.

Blueprint Genetics
Classification: Likely pathogenic for TRAF3IP1-related disorders. Last evaluated: 2019-09-13. Review status: criteria provided, single submitter. Criteria: ACMG Guidelines, 2015. Collection method: clinical testing. Allele origin: germline. Affected: yes. Observed: 1 variant allele.

Literature cited by the submitters: PubMed 16199547 (cited by Labcorp Genetics (formerly Invitae), Labcorp); PubMed 21945076 (cited by Labcorp Genetics (formerly Invitae), Labcorp); PubMed 26487268 (cited by Labcorp Genetics (formerly Invitae), Labcorp); PubMed 29068549 (cited by Labcorp Genetics (formerly Invitae), Labcorp).